The following is an entry in ClinVar:

ClinVar aggregate classification (germline): Pathogenic (1 of 4 stars; one submission).

Submission:

GeneDx
Classification: Pathogenic. Last evaluated: 2024-12-13. Review status: criteria provided, single submitter. Criteria: GeneDx Variant Classification Process June 2021. Collection method: clinical testing. Allele origin: germline. Affected: yes.
Comment: Frameshift variant predicted to result in protein truncation or nonsense mediated decay in a gene for which loss of function is a known mechanism of disease; Not observed at significant frequency in large population cohorts (gnomAD); Has not been previously published as pathogenic or benign to our knowledge

NM_001370100.5(ZMYND11):c.464_467del (p.Lys155fs)

Gene: ZMYND11 (zinc finger MYND-type containing 11; plus strand). Cytogenetic location: 10p15.3.
Variant type: Microsatellite.
Coding change: c.464_467del on transcript NM_001370100.5 (MANE Select); coding-DNA positions 464 to 467, 4 bases deleted (AACA; older notation c.464_467delAACA).
Protein change: p.Lys155fs; shifts the reading frame from lysine 155.
Molecular consequence: frameshift variant. On other transcripts: 5 prime UTR variant (1), non-coding transcript variant (1).
Genome position (GRCh38, 1-based): chr10:236,863-236,866, AACA deleted; deleting any 4 consecutive bases within chr10:236,856-236,866 gives the same sequence; the c. name uses the placement nearest the transcript's 3' end. VCF-style (leftmost placement, unchanged base first): chr10-236855-TACAA-T. GRCh37 (hg19) VCF-style: chr10-282795-TACAA-T.
Other names: c.464_467delAACA (NM_006624.5); c.302_305del, p.Lys101fs (NM_001202464.3, NM_001202465.3, NM_001202466.3 and 11 more transcripts); c.464_467del, p.Lys155fs (NM_001202468.1, NM_001370097.3, NM_001370098.2 and 10 more transcripts); c.413_416del, p.Lys138fs (NM_001330057.3, NM_001370112.2); c.398_401del, p.Lys133fs (NM_001370116.2); c.344_347del, p.Lys115fs (NM_001370118.2); c.236_239del, p.Lys79fs (NM_001370120.2); c.182_185del, p.Lys61fs (NM_001370121.2); and 2 more; short protein forms K133fs, K61fs, K101fs, K138fs, K79fs, K84fs, K115fs, K155fs.
Identifiers: ClinVar variation 373104 (VCV000373104.6), dbSNP rs1057518219, ClinGen allele CA16042718.